The following is an entry in ClinVar:

ClinVar aggregate classification (germline): Uncertain significance (1 of 4 stars; one submission).

Conditions:
Fanconi anemia complementation group O. Also called: RAD51C-Related Fanconi Anemia. Identifiers: Orphanet 84, MedGen C3150653, MONDO:0013248, OMIM 613390.

Submission:

Labcorp Genetics (formerly Invitae), Labcorp
Classification: Uncertain significance for Fanconi anemia complementation group O. Last evaluated: 2026-01-08. Review status: criteria provided, single submitter. Criteria: Invitae Variant Classification Sherloc (09022015). Collection method: clinical testing. Allele origin: germline.
Comment: This sequence change replaces alanine, which is neutral and non-polar, with threonine, which is neutral and polar, at codon 279 of the RAD51C protein (p.Ala279Thr). This variant is not present in population databases (gnomAD no frequency). This variant has not been reported in the literature in individuals affected with RAD51C-related conditions. ClinVar contains an entry for this variant (Variation ID: 2093478). An algorithm developed to predict the effect of missense changes on protein structure and function (PolyPhen-2) suggests that this variant is likely to be disruptive. In summary, the available evidence is currently insufficient to determine the role of this variant in disease. Therefore, it has been classified as a Variant of Uncertain Significance.

NM_058216.3(RAD51C):c.835G>A (p.Ala279Thr)

Gene: RAD51C (RAD51 paralog C; plus strand). Cytogenetic location: 17q22.
Variant type: single nucleotide variant.
Coding change: c.835G>A on transcript NM_058216.3 (MANE Select); coding-DNA position 835, G replaced by A.
Protein change: p.Ala279Thr; replaces alanine 279 with threonine.
Molecular consequence: missense variant. On other transcripts: non-coding transcript variant (1).
Genome position (GRCh38, 1-based): chr17:58,709,988, G>A. VCF-style: chr17-58709988-G-A. GRCh37 (hg19) VCF-style: chr17-56787349-G-A.
Other names: c.*263G>A (NM_058217.1); short protein forms A279T.
Identifiers: ClinVar variation 2093478 (VCV002093478.4), dbSNP rs587782507, ClinGen allele CA400354517.